The following is an entry in ClinVar:

NM_001276270.2(MBD4):c.1475A>T (p.Asp492Val)

Gene: MBD4 (methyl-CpG binding domain 4, DNA glycosylase; minus strand). Cytogenetic location: 3q21.3.
Variant type: single nucleotide variant.
Coding change: c.1475A>T on transcript NM_001276270.2 (MANE Select); coding-DNA position 1475, A replaced by T.
Protein change: p.Asp492Val; replaces aspartic acid 492 with valine.
Molecular consequence: missense variant.
Genome position (GRCh38, 1-based): chr3:129,433,166, T>A on the plus strand (A>T on the coding strand, the complement: MBD4 is on the minus strand). VCF-style: chr3-129433166-T-A. GRCh37 (hg19) VCF-style: chr3-129152009-T-A.
Other names: c.1493A>T, p.Asp498Val (NM_001276271.2, NM_001276272.2, NM_003925.3); c.539A>T, p.Asp180Val (NM_001276273.2); short protein forms D492V, D498V, D180V.
Identifiers: ClinVar variation 5024046 (VCV005024046.1).

ClinVar aggregate classification (germline): Uncertain significance (1 of 4 stars; one submission).

Conditions:
Inborn genetic diseases. Identifiers: MedGen C0950123, MeSH D030342.

Submission:

Ambry Genetics
Classification: Uncertain significance for Inborn genetic diseases. Last evaluated: 2026-08-31. Review status: criteria provided, single submitter. Criteria: Ambry Variant Classification Scheme 2023. Collection method: clinical testing. Allele origin: germline.
Comment: The p.D492V variant (also known as c.1475A>T), located in coding exon 6 of the MBD4 gene, results from an A to T substitution at nucleotide position 1475. The aspartic acid at codon 492 is replaced by valine, an amino acid with highly dissimilar properties. This amino acid position is conserved. In addition, the in silico prediction for this alteration is inconclusive. Based on the available evidence, the clinical significance of this variant remains unclear.